The following is an entry in ClinVar:

ClinVar aggregate classification (germline): Uncertain significance (1 of 4 stars; one submission).

Conditions:
Norman-Roberts syndrome (LIS2). Also called: Lissencephaly 2 (Norman-Roberts type). Identifiers: Orphanet 89844, MedGen C0796089, MONDO:0009760, OMIM 257320.
Familial temporal lobe epilepsy 7. Identifiers: Orphanet 101046, MedGen C4225327, MONDO:0014639, OMIM 616436.

Allele frequency attached by ClinVar (database versions not stated): gnomAD exomes below 0.00001; ExAC 0.00002.
gnomAD v4.1: 5 of 1,613,872 alleles (0.00031%); highest among the groups gnomAD compares: South Asian, 0.0055%; no homozygotes.

Submission:

Labcorp Genetics (formerly Invitae), Labcorp
Classification: Uncertain significance for Familial temporal lobe epilepsy 7; Norman-Roberts syndrome. Last evaluated: 2022-06-09. Review status: criteria provided, single submitter. Criteria: Invitae Variant Classification Sherloc (09022015). Collection method: clinical testing. Allele origin: germline.
Comment: This sequence change replaces lysine, which is basic and polar, with glutamic acid, which is acidic and polar, at codon 1114 of the RELN protein (p.Lys1114Glu). In summary, the available evidence is currently insufficient to determine the role of this variant in disease. Therefore, it has been classified as a Variant of Uncertain Significance. Algorithms developed to predict the effect of missense changes on protein structure and function (SIFT, PolyPhen-2, Align-GVGD) all suggest that this variant is likely to be tolerated. This variant has not been reported in the literature in individuals affected with RELN-related conditions. This variant is present in population databases (rs779479899, gnomAD 0.006%).

NM_005045.4(RELN):c.3340A>G (p.Lys1114Glu)

Gene: RELN (reelin; minus strand). Cytogenetic location: 7q22.1.
Variant type: single nucleotide variant.
Coding change: c.3340A>G on transcript NM_005045.4 (MANE Select); coding-DNA position 3340, A replaced by G.
Protein change: p.Lys1114Glu; replaces lysine 1114 with glutamic acid.
Molecular consequence: missense variant.
Genome position (GRCh38, 1-based): chr7:103,596,655, T>C on the plus strand (A>G on the coding strand, the complement: RELN is on the minus strand). VCF-style: chr7-103596655-T-C. GRCh37 (hg19) VCF-style: chr7-103237102-T-C.
Other names: c.3340A>G, p.Lys1114Glu (NM_173054.3); short protein forms K1114E.
Identifiers: ClinVar variation 2003948 (VCV002003948.4), dbSNP rs779479899, ClinGen allele CA4421775.